The following is an entry in ClinVar:

ClinVar aggregate classification (germline): Benign. Review status: criteria provided, multiple submitters, no conflicts (2 of 4 stars). 4 submissions from 4 submitters: Benign (4). Last evaluated 2026-02-02.

Allele frequency attached by ClinVar (database versions not stated): 1000 Genomes Project 0.01997; gnomAD 0.00608 and 0.00729; 1000 Genomes Project 30x 0.01843; ESP Exome Variant Server 0.00054; TOPMed 0.00663.

Submissions (4):

Labcorp Genetics (formerly Invitae), Labcorp
Classification: Benign. Last evaluated: 2026-02-02. Review status: criteria provided, single submitter. Criteria: Invitae Variant Classification Sherloc (09022015). Collection method: clinical testing. Allele origin: germline.

GeneDx
Classification: Benign. Last evaluated: 2017-05-09. Review status: criteria provided, single submitter. Criteria: GeneDx Variant Classification (06012015). Collection method: clinical testing. Allele origin: germline. Affected: yes.
Comment: This variant is considered likely benign or benign based on one or more of the following criteria: it is a conservative change, it occurs at a poorly conserved position in the protein, it is predicted to be benign by multiple in silico algorithms, and/or has population frequency not consistent with disease.

Laboratory for Molecular Medicine, Mass General Brigham Personalized Medicine
Classification: Benign. Last evaluated: 2012-05-07. Review status: criteria provided, single submitter. Criteria: LMM Criteria. Collection method: clinical testing. Allele origin: germline. Observed: 24 variant alleles.
Comment: Val415Ile in Exon 09 of GRHL2: This variant is not expected to have clinical sig nificance because it has been identified in 14.7% (25/170) of chromosomes from a population in the dbSNP database (rs3 779617).

Breakthrough Genomics
Classification: Benign. Review status: criteria provided, single submitter. Criteria: ACMG Guidelines, 2015. Collection method: not provided. Allele origin: germline. Inheritance: Autosomal recessive inheritance. Affected: yes.

NM_024915.4(GRHL2):c.1243G>A (p.Val415Ile)

Gene: GRHL2 (grainyhead like transcription factor 2; plus strand). Cytogenetic location: 8q22.3.
Variant type: single nucleotide variant.
Coding change: c.1243G>A on transcript NM_024915.4 (MANE Select); coding-DNA position 1243, G replaced by A.
Protein change: p.Val415Ile; replaces valine 415 with isoleucine.
Molecular consequence: missense variant.
Genome position (GRCh38, 1-based): chr8:101,619,683, G>A. VCF-style: chr8-101619683-G-A. GRCh37 (hg19) VCF-style: chr8-102631911-G-A.
Other names: c.1195G>A, p.Val399Ile (NM_001330593.2); short protein forms V415I, V399I.
Identifiers: ClinVar variation 46215 (VCV000046215.13), dbSNP rs3779617, ClinGen allele CA137889.